The following is an entry in ClinVar:

NM_194248.3(OTOF):c.1869C>T (p.Asp623=)

Gene: OTOF (otoferlin; minus strand). Cytogenetic location: 2p23.3.
Variant type: single nucleotide variant.
Coding change: c.1869C>T on transcript NM_194248.3 (MANE Select); coding-DNA position 1869, C replaced by T.
Protein change: p.Asp623=; no amino-acid change (aspartic acid 623 retained).
Molecular consequence: synonymous variant.
Genome position (GRCh38, 1-based): chr2:26,480,246, G>A on the plus strand (C>T on the coding strand, the complement: OTOF is on the minus strand). VCF-style: chr2-26480246-G-A. GRCh37 (hg19) VCF-style: chr2-26703114-G-A.
Other names: c.1869C>T, p.Asp623= (NM_001287489.2).
Identifiers: ClinVar variation 1704918 (VCV001704918.2), dbSNP rs770291513, ClinGen allele CA1564156.

ClinVar aggregate classification (germline): Uncertain significance (1 of 4 stars; one submission).

Allele frequency attached by ClinVar (database versions not stated): gnomAD 0.00001; TOPMed 0.00002; ExAC 0.00003.
gnomAD v4.1: 11 of 1,612,946 alleles (0.00068%); highest among the groups gnomAD compares: South Asian, 0.0077%; no homozygotes.

Submission:

GeneDx
Classification: Uncertain significance. Last evaluated: 2022-03-10. Review status: criteria provided, single submitter. Criteria: GeneDx Variant Classification Process June 2021. Collection method: clinical testing. Allele origin: germline. Affected: yes.
Comment: Not observed at significant frequency in large population cohorts (gnomAD); In silico analysis supports that this variant does not alter splicing; Has not been previously published as pathogenic or benign to our knowledge